The following is an entry in ClinVar:

ClinVar aggregate classification (germline): Benign. Review status: criteria provided, multiple submitters, no conflicts (2 of 4 stars). 16 submissions from 15 submitters: Benign (12). 4 of the submissions do not count toward it. Last evaluated 2026-02-04.

Conditions:
Autosomal recessive spastic paraplegia type 78. Identifiers: Orphanet 513436, MedGen C5567893, MONDO:0014975, OMIM 617225.
Kufor-Rakeb syndrome (KRS). Also called: PARKINSON DISEASE 9, AUTOSOMAL RECESSIVE, JUVENILE-ONSET. Identifiers: Orphanet 306674, Orphanet 314632, MedGen C1847640, MONDO:0011706, OMIM 606693.
Inborn genetic diseases. Identifiers: MedGen C0950123, MeSH D030342.

Allele frequency attached by ClinVar (database versions not stated): gnomAD exomes 0.46326 and 0.50439; 1000 Genomes Project 0.33866; 1000 Genomes Project 30x 0.34354; TOPMed 0.39871; gnomAD 0.40757 and 0.41000; ESP Exome Variant Server 0.41542; ExAC 0.45895.
gnomAD v4.1: 797,661 of 1,613,584 alleles (49%); highest among the groups gnomAD compares: Non-Finnish European, 53%; 203,257 homozygotes.

Submissions (16):

Labcorp Genetics (formerly Invitae), Labcorp
Classification: Benign for Kufor-Rakeb syndrome; Autosomal recessive spastic paraplegia type 78. Last evaluated: 2026-02-04. Review status: criteria provided, single submitter. Criteria: Invitae Variant Classification Sherloc (09022015). Collection method: clinical testing. Allele origin: germline.

Blueprint Genetics
Classification: Benign. Last evaluated: 2024-11-26. Review status: criteria provided, single submitter. Criteria: ACMG Guidelines, 2015. Collection method: clinical testing. Allele origin: germline.

Unidad de Genómica Garrahan, Hospital de Pediatría Garrahan
Classification: Benign. Last evaluated: 2024-07-15. Review status: criteria provided, single submitter. Criteria: ACMG Guidelines, 2015. Collection method: clinical testing. Allele origin: germline. Affected: no. Observed: 66 variant alleles.
Comment: This variant is classified as Benign based on local population frequency. This variant was detected in 71% of patients studied in a panel designed for Epileptic and Developmental Encephalopathy and Progressive Myoclonus Epilepsy. Number of patients: 66. Only high quality variants are reported.

Genome-Nilou Lab
Classification: Benign for Kufor-Rakeb syndrome. Last evaluated: 2021-07-14. Review status: criteria provided, single submitter. Criteria: ACMG Guidelines, 2015. Collection method: clinical testing. Allele origin: germline. Affected: no.

Genome-Nilou Lab
Classification: Benign for Autosomal recessive spastic paraplegia type 78. Last evaluated: 2021-07-14. Review status: criteria provided, single submitter. Criteria: ACMG Guidelines, 2015. Collection method: clinical testing. Allele origin: germline. Affected: no.

GeneDx
Classification: Benign. Last evaluated: 2018-07-05. Review status: criteria provided, single submitter. Criteria: GeneDx Variant Classification Process June 2021. Collection method: clinical testing. Allele origin: germline. Affected: yes.

Illumina Laboratory Services, Illumina
Classification: Benign for Kufor-Rakeb syndrome. Last evaluated: 2018-01-13. Review status: criteria provided, single submitter. Criteria: ICSL Variant Classification Criteria 13 December 2019. Collection method: clinical testing. Allele origin: germline.
Comment: This variant was observed in the ICSL laboratory as part of a predisposition screen in an ostensibly healthy population. It had not been previously curated by ICSL or reported in the Human Gene Mutation Database (HGMD: prior to June 1st, 2018), and was therefore a candidate for classification through an automated scoring system. Utilizing variant allele frequency, disease prevalence and penetrance estimates, and inheritance mode, an automated score was calculated to assess if this variant is too frequent to cause the disease. Based on the score and internal cut-off values, a variant classified as benign is not then subjected to further curation. The score for this variant resulted in a classification of benign for this disease.

Athena Diagnostics
Classification: Benign. Last evaluated: 2017-04-20. Review status: criteria provided, single submitter. Criteria: Athena Diagnostics Criteria. Collection method: clinical testing. Allele origin: germline.

Ambry Genetics
Classification: Benign for Inborn genetic diseases. Last evaluated: 2016-01-08. Review status: criteria provided, single submitter. Criteria: Ambry Variant Classification Scheme 2023. Collection method: clinical testing. Allele origin: germline.

Genetic Services Laboratory, University of Chicago
Classification: Benign for AllHighlyPenetrant. Last evaluated: 2013-08-15. Review status: criteria provided, single submitter. Criteria: ACMG Guidelines, 2007. Collection method: clinical testing. Allele origin: germline. Inheritance: Autosomal recessive inheritance.

Breakthrough Genomics
Classification: Benign. Review status: criteria provided, single submitter. Criteria: ACMG Guidelines, 2015. Collection method: not provided. Allele origin: germline. Inheritance: Autosomal recessive inheritance. Affected: yes.

PreventionGenetics, part of Exact Sciences
Classification: Benign. Review status: criteria provided, single submitter. Criteria: ACMG Guidelines, 2015. Collection method: clinical testing. Allele origin: germline.

Mayo Clinic Laboratories, Mayo Clinic
Classification: Benign. Last evaluated: 2015-10-19. Review status: no assertion criteria provided. Collection method: clinical testing. Allele origin: unknown. Not counted in ClinVar's aggregate classification.

Clinical Genetics DNA and cytogenetics Diagnostics Lab, Erasmus MC, Erasmus Medical Center
Classification: Benign. Review status: no assertion criteria provided. Collection method: clinical testing. Allele origin: germline. Affected: yes. Study: VKGL Data-share Consensus. Not counted in ClinVar's aggregate classification.

Genome Diagnostics Laboratory, Amsterdam University Medical Center
Classification: Benign. Review status: no assertion criteria provided. Collection method: clinical testing. Allele origin: germline. Affected: yes. Study: VKGL Data-share Consensus. Not counted in ClinVar's aggregate classification.

Joint Genome Diagnostic Labs from Nijmegen and Maastricht, Radboudumc and MUMC+
Classification: Benign. Review status: no assertion criteria provided. Collection method: clinical testing. Allele origin: germline. Affected: yes. Study: VKGL Data-share Consensus. Not counted in ClinVar's aggregate classification.

NM_022089.4(ATP13A2):c.2637C>T (p.Gly879=)

Gene: ATP13A2 (ATPase cation transporting 13A2; minus strand). Cytogenetic location: 1p36.13.
Variant type: single nucleotide variant.
Coding change: c.2637C>T on transcript NM_022089.4 (MANE Select); coding-DNA position 2637, C replaced by T.
Protein change: p.Gly879=; no amino-acid change (glycine 879 retained).
Molecular consequence: synonymous variant.
Genome position (GRCh38, 1-based): chr1:16,988,447, G>A on the plus strand (C>T on the coding strand, the complement: ATP13A2 is on the minus strand). VCF-style: chr1-16988447-G-A. GRCh37 (hg19) VCF-style: chr1-17314942-G-A.
Other names: c.2622C>T, p.Gly874= (NM_001141973.3); c.2505C>T, p.Gly835= (NM_001141974.3).
Identifiers: ClinVar variation 128466 (VCV000128466.33), dbSNP rs9435662, ClinGen allele CA151948.